The following is an entry in ClinVar:

ClinVar aggregate classification (germline): Uncertain significance (1 of 4 stars; one submission).

Submission:

GeneDx
Classification: Uncertain significance. Last evaluated: 2022-10-25. Review status: criteria provided, single submitter. Criteria: GeneDx Variant Classification Process June 2021. Collection method: clinical testing. Allele origin: germline. Affected: yes.
Comment: Not observed at significant frequency in large population cohorts (gnomAD); In silico analysis supports that this variant does not alter splicing; Has not been previously published as pathogenic or benign to our knowledge

NM_000466.3(PEX1):c.2227-3T>A

Gene: PEX1 (peroxisomal biogenesis factor 1; minus strand). Cytogenetic location: 7q21.2.
Variant type: single nucleotide variant.
Coding change: c.2227-3T>A on transcript NM_000466.3 (MANE Select); 3 bases into the intron before coding-DNA position 2227, T replaced by A.
Molecular consequence: intron variant.
Genome position (GRCh38, 1-based): chr7:92,502,082, A>T on the plus strand (T>A on the coding strand, the complement: PEX1 is on the minus strand). VCF-style: chr7-92502082-A-T. GRCh37 (hg19) VCF-style: chr7-92131396-A-T.
Other names: c.2056-3T>A (NM_001282677.2); c.1603-3T>A (NM_001282678.2).
Identifiers: ClinVar variation 2499776 (VCV002499776.1), dbSNP rs1363890846, ClinGen allele CA1725936159.